The following is an entry in ClinVar:

NM_003797.5(EED):c.-85G>A

Gene: EED (embryonic ectoderm development; plus strand). Cytogenetic location: 11q14.2.
Variant type: single nucleotide variant.
Coding change: c.-85G>A on transcript NM_003797.5 (MANE Select); 85 bases upstream of the start codon, G replaced by A.
Molecular consequence: 5 prime UTR variant.
Genome position (GRCh38, 1-based): chr11:86,245,145, G>A. VCF-style: chr11-86245145-G-A. GRCh37 (hg19) VCF-style: chr11-85956187-G-A.
Other names: c.-85G>A (NM_001308007.2, NM_001330334.2).
Identifiers: ClinVar variation 2642248 (VCV002642248.24), dbSNP rs763617900, ClinGen allele CA2574942580.

ClinVar aggregate classification (germline): Likely benign (1 of 4 stars; one submission).

gnomAD v4.1: 3 of 1,141,982 alleles (0.00026%); highest among the groups gnomAD compares: Non-Finnish European, 0.00037%; no homozygotes.

Submission:

CeGaT Center for Human Genetics Tuebingen
Classification: Likely benign. Last evaluated: 2023-08-01. Review status: criteria provided, single submitter. Criteria: CeGaT Center For Human Genetics Tuebingen Variant Classification Criteria Version 2. Collection method: clinical testing. Allele origin: germline. Affected: yes. Observed: 1 variant allele.
Comment: EED: PM2:Supporting, BP4, BP7